The following is an entry in ClinVar:

NM_002693.3(POLG):c.1431G>C (p.Glu477Asp)

Gene: POLG (DNA polymerase gamma, catalytic subunit; minus strand). Cytogenetic location: 15q26.1.
Variant type: single nucleotide variant.
Coding change: c.1431G>C on transcript NM_002693.3 (MANE Select); coding-DNA position 1431, G replaced by C.
Protein change: p.Glu477Asp; replaces glutamic acid 477 with aspartic acid.
Molecular consequence: missense variant.
Genome position (GRCh38, 1-based): chr15:89,327,169, C>G on the plus strand (G>C on the coding strand, the complement: POLG is on the minus strand). VCF-style: chr15-89327169-C-G. GRCh37 (hg19) VCF-style: chr15-89870400-C-G.
Other names: c.1431G>C, p.Glu477Asp (NM_001126131.2); short protein forms E477D.
Identifiers: ClinVar variation 1473738 (VCV001473738.8), dbSNP rs1047926345, ClinGen allele CA274556555.
Genomic context (GRCh38, chr15:89,327,169, plus strand): 5'-CTAGGCCGCCCACCTGCCAGTCCCCTGCCTAGATCCTGCCCACCCAAGGCCTGGCTACCT[C>G]TCTCCTGAGAGCAGCTGGCAGGCATCATTGGCCAGATCCATCAACGACTTCTTCATCTCC-3'
Protein context (NP_002684.1, residues 467-487): ANDACQLLSG[Glu477Asp]RYKEDPWLWD

ClinVar aggregate classification (germline): Uncertain significance (1 of 4 stars; one submission).

Conditions:
Progressive sclerosing poliodystrophy (MTDPS4A). Also called: Mitochondrial DNA depletion syndrome 4A (Alpers type); ALPERS PROGRESSIVE INFANTILE POLIODYSTROPHY; NEURONAL DEGENERATION OF CHILDHOOD WITH LIVER DISEASE, PROGRESSIVE; Mitochondrial DNA Depletion Syndrome 4A; Alpers-Huttenlocher Syndrome (AHS); Alpers Syndrome. Identifiers: Orphanet 726, MedGen C0205710, MONDO:0008758, OMIM 203700.

Submission:

Labcorp Genetics (formerly Invitae), Labcorp
Classification: Uncertain significance for Progressive sclerosing poliodystrophy. Last evaluated: 2024-06-25. Review status: criteria provided, single submitter. Criteria: Invitae Variant Classification Sherloc (09022015). Collection method: clinical testing. Allele origin: germline.
Comment: This sequence change replaces glutamic acid, which is acidic and polar, with aspartic acid, which is acidic and polar, at codon 477 of the POLG protein (p.Glu477Asp). This variant is not present in population databases (gnomAD no frequency). This variant has not been reported in the literature in individuals affected with POLG-related conditions. ClinVar contains an entry for this variant (Variation ID: 1473738). Algorithms developed to predict the effect of missense changes on protein structure and function output the following: SIFT: "Not Available"; PolyPhen-2: "Benign"; Align-GVGD: "Not Available". The aspartic acid amino acid residue is found in multiple mammalian species, which suggests that this missense change does not adversely affect protein function. In summary, the available evidence is currently insufficient to determine the role of this variant in disease. Therefore, it has been classified as a Variant of Uncertain Significance.